The following is an entry in ClinVar:

ClinVar aggregate classification (germline): Uncertain significance (1 of 4 stars; one submission).

Conditions:
Histidinemia. Also called: Deficiency of histidine ammonia-lyase; Hyperhistidinemia; HAL DEFICIENCY; HIS DEFICIENCY; HISTIDASE DEFICIENCY; HISTIDINE AMMONIA-LYASE DEFICIENCY. Identifiers: Orphanet 2157, MedGen C0220992, MONDO:0009345, OMIM 235800, HP:0010906.

Allele frequency attached by ClinVar (database versions not stated): 1000 Genomes Project 30x 0.00094; 1000 Genomes Project 0.00100; ExAC 0.00177; gnomAD exomes 0.00214 and 0.00462; gnomAD 0.00254 and 0.00258; TOPMed 0.00258; ESP Exome Variant Server 0.00369.
gnomAD v4.1: 7,050 of 1,614,124 alleles (0.44%); highest among the groups gnomAD compares: Non-Finnish European, 0.57%; 23 homozygotes.

Submission:

Illumina Laboratory Services, Illumina
Classification: Uncertain significance for Histidinemia. Last evaluated: 2017-04-27. Review status: criteria provided, single submitter. Criteria: ICSL Variant Classification Criteria 13 December 2019. Collection method: clinical testing. Allele origin: germline.
Comment: This variant was observed as part of a predisposition screen in an ostensibly healthy population. A literature search was performed for the gene, cDNA change, and amino acid change (where applicable). Publications were found based on this search. However, the evidence from the literature, in combination with allele frequency data from public databases where available, was not sufficient to rule this variant in or out of causing disease. Therefore, this variant is classified as a variant of unknown significance.

Literature cited by the submitters: PubMed 27453504; PubMed 24725463.

NM_002108.4(HAL):c.1645G>A (p.Val549Met)

Gene: HAL (histidine ammonia-lyase; minus strand). Cytogenetic location: 12q23.1.
Variant type: single nucleotide variant.
Coding change: c.1645G>A on transcript NM_002108.4 (MANE Select); coding-DNA position 1645, G replaced by A.
Protein change: p.Val549Met; replaces valine 549 with methionine.
Molecular consequence: missense variant.
Genome position (GRCh38, 1-based): chr12:95,977,953, C>T on the plus strand (G>A on the coding strand, the complement: HAL is on the minus strand). VCF-style: chr12-95977953-C-T. GRCh37 (hg19) VCF-style: chr12-96371731-C-T.
Other names: c.1021G>A, p.Val341Met (NM_001258333.2); c.1645G>A, p.Val549Met (NM_001258334.2); short protein forms V341M, V549M.
Identifiers: ClinVar variation 881410 (VCV000881410.4), dbSNP rs61937878, ClinGen allele CA6727513.